The following is an entry in ClinVar:

ClinVar aggregate classification (germline): Uncertain significance (1 of 4 stars; one submission).

Conditions:
Congenital myasthenic syndrome 10. Also called: Myasthenia, limb-girdle, familial. Identifiers: Orphanet 590, MedGen C1850792, MONDO:0009690, OMIM 254300.
Fetal akinesia deformation sequence 1 (FADS1). Also called: Pena-Shokeir syndrome type I; Fetal akinesia sequence. Identifiers: Orphanet 994, MedGen C1276035, MONDO:0100101, OMIM 208150, HP:0001989.

Allele frequency attached by ClinVar (database versions not stated): gnomAD exomes below 0.00001.
gnomAD v4.1: 2 of 1,611,440 alleles (0.00012%); highest among the groups gnomAD compares: South Asian, 0.0022%; no homozygotes.

Submission:

Labcorp Genetics (formerly Invitae), Labcorp
Classification: Uncertain significance for Congenital myasthenic syndrome 10; Fetal akinesia deformation sequence 1. Last evaluated: 2022-04-08. Review status: criteria provided, single submitter. Criteria: Invitae Variant Classification Sherloc (09022015). Collection method: clinical testing. Allele origin: germline.
Comment: This sequence change replaces histidine, which is basic and polar, with arginine, which is basic and polar, at codon 404 of the DOK7 protein (p.His404Arg). This variant is not present in population databases (gnomAD no frequency). This variant has not been reported in the literature in individuals affected with DOK7-related conditions. Algorithms developed to predict the effect of missense changes on protein structure and function are either unavailable or do not agree on the potential impact of this missense change (SIFT: "Tolerated"; PolyPhen-2: "Probably Damaging"; Align-GVGD: "Class C0"). In summary, the available evidence is currently insufficient to determine the role of this variant in disease. Therefore, it has been classified as a Variant of Uncertain Significance.

NM_173660.5(DOK7):c.1211A>G (p.His404Arg)

Gene: DOK7 (docking protein 7; plus strand). Cytogenetic location: 4p16.3.
Variant type: single nucleotide variant.
Coding change: c.1211A>G on transcript NM_173660.5 (MANE Select); coding-DNA position 1211, A replaced by G.
Protein change: p.His404Arg; replaces histidine 404 with arginine.
Molecular consequence: missense variant. On other transcripts: 3 prime UTR variant (1).
Genome position (GRCh38, 1-based): chr4:3,493,197, A>G. VCF-style: chr4-3493197-A-G. GRCh37 (hg19) VCF-style: chr4-3494924-A-G.
Other names: c.*432A>G (NM_001164673.2); c.281A>G, p.His94Arg (NM_001256896.2); c.1211A>G, p.His404Arg (NM_001301071.2); c.779A>G, p.His260Arg (NM_001363811.2); short protein forms H404R, H260R, H94R.
Identifiers: ClinVar variation 2147734 (VCV002147734.4), dbSNP rs2475114682, ClinGen allele CA356117560.
Genomic context (GRCh38, chr4:3,493,197, plus strand): 5'-GCCTGTGCACCTGCCTGCCCGGGACAGTCGAGTACCAGGTGCCCACCTCCCTGCGGGCCC[A>G]CTATGACACACCACGCAGCCTTTGCCTGGCTCCTAGAGACCACAGCCCCCCCTCACAGGG-3'
Protein context (NP_775931.3, residues 394-414): EYQVPTSLRA[His404Arg]YDTPRSLCLA